The following is an entry in ClinVar:

NM_001330360.2(POLA1):c.3451G>T (p.Asp1151Tyr)

Gene: POLA1 (DNA polymerase alpha 1, catalytic subunit; plus strand). Cytogenetic location: Xp22.11.
Variant type: single nucleotide variant.
Coding change: c.3451G>T on transcript NM_001330360.2 (MANE Select); coding-DNA position 3451, G replaced by T.
Protein change: p.Asp1151Tyr; replaces aspartic acid 1151 with tyrosine.
Molecular consequence: missense variant. On other transcripts: non-coding transcript variant (2).
Genome position (GRCh38, 1-based): chrX:24,821,473, G>T. VCF-style: chrX-24821473-G-T. GRCh37 (hg19) VCF-style: chrX-24839590-G-T.
Other names: c.3376G>T, p.Asp1126Tyr (NM_001378303.1); c.3433G>T, p.Asp1145Tyr (NM_016937.4); short protein forms D1145Y, D1151Y, D1126Y.
Identifiers: ClinVar variation 2854535 (VCV002854535.3), dbSNP rs759718850, ClinGen allele CA10373556.
Genomic context (GRCh38, chrX:24,821,473, plus strand): 5'-TTATTTTAAGGCTTAGAACTTTTTTGTTCCCTCTTTTAGGCATTGACAAAGGATCCCCAG[G>T]ATTACCCTGATAAAAAAAGCCTACCTCATGTACATGTTGCCCTCTGGATAAATTCTCAAG-3'
Protein context (NP_001317289.1, residues 1141-1161): INKALTKDPQ[Asp1151Tyr]YPDKKSLPHV

ClinVar aggregate classification (germline): Uncertain significance (1 of 4 stars; one submission).

Allele frequency attached by ClinVar (database versions not stated): gnomAD exomes below 0.00001; ExAC 0.00001; TOPMed 0.00001.

Submission:

Labcorp Genetics (formerly Invitae), Labcorp
Classification: Uncertain significance. Last evaluated: 2023-04-10. Review status: criteria provided, single submitter. Criteria: Invitae Variant Classification Sherloc (09022015). Collection method: clinical testing. Allele origin: germline.
Comment: In summary, the available evidence is currently insufficient to determine the role of this variant in disease. Therefore, it has been classified as a Variant of Uncertain Significance. Advanced modeling of protein sequence and biophysical properties (such as structural, functional, and spatial information, amino acid conservation, physicochemical variation, residue mobility, and thermodynamic stability) performed at Invitae indicates that this missense variant is expected to disrupt POLA1 protein function. This variant has not been reported in the literature in individuals affected with POLA1-related conditions. This variant is present in population databases (rs759718850, gnomAD 0.001%), including at least one homozygous and/or hemizygous individual. This sequence change replaces aspartic acid, which is acidic and polar, with tyrosine, which is neutral and polar, at codon 1145 of the POLA1 protein (p.Asp1145Tyr).